The following is an entry in ClinVar:

NM_000243.3(MEFV):c.*267G>A

Gene: MEFV (MEFV innate immunity regulator, pyrin; minus strand). Cytogenetic location: 16p13.3.
Variant type: single nucleotide variant.
Coding change: c.*267G>A on transcript NM_000243.3 (MANE Select); 267 bases downstream of the stop codon, G replaced by A.
Molecular consequence: 3 prime UTR variant.
Genome position (GRCh38, 1-based): chr16:3,242,874, C>T on the plus strand (G>A on the coding strand, the complement: MEFV is on the minus strand). VCF-style: chr16-3242874-C-T. GRCh37 (hg19) VCF-style: chr16-3292874-C-T.
Other names: c.*817G>A (NM_001198536.2).
Identifiers: ClinVar variation 224065 (VCV000224065.8), dbSNP rs2741918, ClinGen allele CA351243.
Genomic context (GRCh38, chr16:3,242,874, plus strand): 5'-TGGGGTTCTGAGGGAAAATGAGGGCCAAATCTTCTGTTCAGGAGCACCTGAGAGTGCCAC[C>T]CACCAGGGGCGGATTATGCAACGACTCCGTACTTCCTCCTCTGAAATCCATGGTGTGTCA-3'

ClinVar aggregate classification (germline): Benign/Likely benign. Review status: criteria provided, multiple submitters, no conflicts (2 of 4 stars). 7 submissions from 5 submitters: Benign (4); Likely benign (3). Last evaluated 2023-02-08.

Conditions:
Familial Mediterranean fever, autosomal dominant. Also called: Dominant Familial Mediterranean Fever; FMF, AUTOSOMAL DOMINANT. Identifiers: Orphanet 342, MedGen C1851347, MONDO:0007601, OMIM 134610.
Acute febrile neutrophilic dermatosis (AFND). Also called: Sweet Syndrome; Gomm Button disease. Identifiers: Orphanet 3243, MedGen C0085077, MONDO:0011959, OMIM 608068.
Familial Mediterranean fever (FMF). Also called: POLYSEROSITIS, FAMILIAL PAROXYSMAL; POLYSEROSITIS, RECURRENT; Periodic peritonitis; Benign paroxysmal peritonitis. Identifiers: Orphanet 342, MedGen C0031069, MONDO:0018088, OMIM 249100. Disease mechanism: gain of function.

Allele frequency attached by ClinVar (database versions not stated): gnomAD 0.58813 and 0.59301; TOPMed 0.59957; 1000 Genomes Project 30x 0.64928; gnomAD exomes 0.58317; 1000 Genomes Project 0.64617.
gnomAD v4.1: 293,840 of 501,962 alleles (59%); highest among the groups gnomAD compares: South Asian, 71%; 87,421 homozygotes.

Submissions (7):

Genome-Nilou Lab
Classification: Likely benign for Familial Mediterranean fever. Last evaluated: 2023-02-08. Review status: criteria provided, single submitter. Criteria: ACMG Guidelines, 2015. Collection method: clinical testing. Allele origin: germline.

Genome-Nilou Lab
Classification: Benign for Familial Mediterranean fever, autosomal dominant. Last evaluated: 2023-02-08. Review status: criteria provided, single submitter. Criteria: ACMG Guidelines, 2015. Collection method: clinical testing. Allele origin: germline.

Genome-Nilou Lab
Classification: Benign for Acute febrile neutrophilic dermatosis. Last evaluated: 2023-02-08. Review status: criteria provided, single submitter. Criteria: ACMG Guidelines, 2015. Collection method: clinical testing. Allele origin: germline.

GeneDx
Classification: Benign. Last evaluated: 2018-06-14. Review status: criteria provided, single submitter. Criteria: GeneDx Variant Classification Process June 2021. Collection method: clinical testing. Allele origin: germline. Affected: yes.

Illumina Laboratory Services, Illumina
Classification: Benign for Familial Mediterranean fever. Last evaluated: 2018-01-13. Review status: criteria provided, single submitter. Criteria: ICSL Variant Classification Criteria 13 December 2019. Collection method: clinical testing. Allele origin: germline.
Comment: This variant was observed in the ICSL laboratory as part of a predisposition screen in an ostensibly healthy population. It had not been previously curated by ICSL or reported in the Human Gene Mutation Database (HGMD: prior to June 1st, 2018), and was therefore a candidate for classification through an automated scoring system. Utilizing variant allele frequency, disease prevalence and penetrance estimates, and inheritance mode, an automated score was calculated to assess if this variant is too frequent to cause the disease. Based on the score and internal cut-off values, a variant classified as benign is not then subjected to further curation. The score for this variant resulted in a classification of benign for this disease.

Atomic Energy Commission of Syria (AECS)
Classification: Likely benign for Familial Mediterranean fever. Last evaluated: 2016-01-25. Review status: criteria provided, single submitter. Criteria: Livneh et al (Arthritis Rheum 1997). Collection method: case-control. Allele origin: somatic.

Breakthrough Genomics
Classification: Likely benign. Review status: criteria provided, single submitter. Criteria: ACMG Guidelines, 2015. Collection method: not provided. Allele origin: germline. Inheritance: Autosomal recessive inheritance. Affected: yes.